The following is an entry in ClinVar:

ClinVar aggregate classification (germline): Conflicting classifications of pathogenicity. Review status: criteria provided, conflicting classifications (1 of 4 stars). 2 submissions from 2 submitters: Uncertain significance (1); Likely benign (1). Last evaluated 2026-08-06.

Conditions:
Neuronopathy, distal hereditary motor, type 9. Also called: NEURONOPATHY, DISTAL HEREDITARY MOTOR, AUTOSOMAL DOMINANT 9; NEURONOPATHY, DISTAL HEREDITARY MOTOR, TYPE IX; NEUROPATHY, DISTAL HEREDITARY MOTOR, TYPE IX. Identifiers: MedGen C4540265, MONDO:0060585, OMIM 617721.
Inborn genetic diseases. Identifiers: MedGen C0950123, MeSH D030342.

gnomAD v4.1: 41 of 1,614,110 alleles (0.0025%); highest among the groups gnomAD compares: African/African-American, 0.036%; no homozygotes.

Submissions (2):

OLLIN Analises Genomicas, OLLIN
Classification: Uncertain significance for Neuronopathy, distal hereditary motor, type 9. Last evaluated: 2026-08-06. Review status: criteria provided, single submitter. Criteria: ACMG Guidelines 2015 PMID 25741868. Collection method: clinical testing. Allele origin: germline.
Comment: This missense variant, located in exon 3 (of 11), has been reported in ClinVar (accession VCV003980541.1) and in gnomAD with an allele frequency of 0.0025%. However, to our knowledge, it has not been reported in the scientific literature. In silico analysis predicts that this variant has a tolerated effect. According to the currently available evidence, this variant has been classified as uncertain significance (PM2_P, BP4_M).

Ambry Genetics
Classification: Likely benign for Inborn genetic diseases. Last evaluated: 2025-05-03. Review status: criteria provided, single submitter. Criteria: Ambry Variant Classification Scheme 2023. Collection method: clinical testing. Allele origin: germline.

NM_004184.4(WARS1):c.161C>T (p.Ala54Val)

Gene: WARS1 (tryptophanyl-tRNA synthetase 1; minus strand). Cytogenetic location: 14q32.2.
Variant type: single nucleotide variant.
Coding change: c.161C>T on transcript NM_004184.4 (MANE Select); coding-DNA position 161, C replaced by T.
Protein change: p.Ala54Val; replaces alanine 54 with valine.
Molecular consequence: missense variant.
Genome position (GRCh38, 1-based): chr14:100,361,860, G>A on the plus strand (C>T on the coding strand, the complement: WARS1 is on the minus strand). VCF-style: chr14-100361860-G-A. GRCh37 (hg19) VCF-style: chr14-100828197-G-A.
Other names: c.161C>T, p.Ala54Val (NM_173701.2); c.38C>T, p.Ala13Val (NM_213645.2, NM_213646.2); short protein forms A54V, A13V.
Identifiers: ClinVar variation 3980541 (VCV003980541.2).